The following is an entry in ClinVar:

NM_015466.4(PTPN23):c.2968G>A (p.Gly990Arg)

Gene: PTPN23 (protein tyrosine phosphatase non-receptor type 23; plus strand). Cytogenetic location: 3p21.31.
Variant type: single nucleotide variant.
Coding change: c.2968G>A on transcript NM_015466.4 (MANE Select); coding-DNA position 2968, G replaced by A.
Protein change: p.Gly990Arg; replaces glycine 990 with arginine.
Molecular consequence: missense variant.
Genome position (GRCh38, 1-based): chr3:47,410,766, G>A. VCF-style: chr3-47410766-G-A. GRCh37 (hg19) VCF-style: chr3-47452256-G-A.
Other names: c.2590G>A, p.Gly864Arg (NM_001304482.2); c.2968G>A (NM_015466.2); short protein forms G864R, G990R.
Identifiers: ClinVar variation 1440597 (VCV001440597.4), dbSNP rs529584913, ClinGen allele CA2366159.

ClinVar aggregate classification (germline): Uncertain significance. Review status: criteria provided, multiple submitters, no conflicts (2 of 4 stars). 2 submissions from 2 submitters: Uncertain significance (2). Last evaluated 2025-01-22.

Conditions:
Inborn genetic diseases. Identifiers: MedGen C0950123, MeSH D030342.

Allele frequency attached by ClinVar (database versions not stated): 1000 Genomes Project 0.00020; 1000 Genomes Project 30x 0.00016.
gnomAD v4.1: 63 of 1,552,704 alleles (0.0041%); highest among the groups gnomAD compares: South Asian, 0.071%; 2 homozygotes.

Submissions (2):

Ambry Genetics
Classification: Uncertain significance for Inborn genetic diseases. Last evaluated: 2025-01-22. Review status: criteria provided, single submitter. Criteria: Ambry Variant Classification Scheme 2023. Collection method: clinical testing. Allele origin: germline.

Labcorp Genetics (formerly Invitae), Labcorp
Classification: Uncertain significance. Last evaluated: 2021-11-14. Review status: criteria provided, single submitter. Criteria: Invitae Variant Classification Sherloc (09022015). Collection method: clinical testing. Allele origin: germline.
Comment: This sequence change replaces glycine, which is neutral and non-polar, with arginine, which is basic and polar, at codon 990 of the PTPN23 protein (p.Gly990Arg). This variant is present in population databases (rs529584913, gnomAD 0.04%). This variant has not been reported in the literature in individuals affected with PTPN23-related conditions. Algorithms developed to predict the effect of missense changes on protein structure and function are either unavailable or do not agree on the potential impact of this missense change (SIFT: "Deleterious"; PolyPhen-2: "Not Available"; Align-GVGD: "Class C0"). In summary, the available evidence is currently insufficient to determine the role of this variant in disease. Therefore, it has been classified as a Variant of Uncertain Significance.